The following is an entry in ClinVar:

NM_004176.5(SREBF1):c.209G>T (p.Gly70Val)

Gene: SREBF1 (sterol regulatory element binding transcription factor 1; minus strand). Cytogenetic location: 17p11.2.
Variant type: single nucleotide variant.
Coding change: c.209G>T on transcript NM_004176.5 (MANE Select); coding-DNA position 209, G replaced by T.
Protein change: p.Gly70Val; replaces glycine 70 with valine.
Molecular consequence: missense variant. On other transcripts: non-coding transcript variant (4), intron variant (1).
Genome position (GRCh38, 1-based): chr17:17,820,404, C>A on the plus strand (G>T on the coding strand, the complement: SREBF1 is on the minus strand). VCF-style: chr17-17820404-C-A. GRCh37 (hg19) VCF-style: chr17-17723718-C-A.
Other names: c.299G>T, p.Gly100Val (NM_001005291.3); c.137G>T, p.Gly46Val (NM_001321096.3); c.209G>T, p.Gly70Val (NM_001388385.1, NM_001388386.1, NM_001388387.1 and 6 more transcripts); c.92-679G>T (NM_001388394.1); short protein forms G100V, G46V, G70V.
Identifiers: ClinVar variation 4883490 (VCV004883490.2).

ClinVar aggregate classification (germline): Uncertain significance (1 of 4 stars; one submission).

Submission:

Dasa
Classification: Uncertain significance. Last evaluated: 2025-01-06. Review status: criteria provided, single submitter. Criteria: DASA Assertion Criteria. Collection method: clinical testing. Allele origin: germline.
Comment: NM_004176.5(SREBF1):c.209G>T (p.Gly70Val) is a missense variant that results in the substitution of glycine with valine. This variant is absent from population databases. Computational prediction algorithms are consistent with a benign effect. The currently available literature and clinical evidence are not sufficient to establish a definitive association between this variant and the reported condition. Therefore, this variant is classified as a variant of uncertain significance.